The following is an entry in ClinVar:

NM_005245.4(FAT1):c.3592A>G (p.Thr1198Ala)

Gene: FAT1 (FAT atypical cadherin 1; minus strand). Cytogenetic location: 4q35.2.
Variant type: single nucleotide variant.
Coding change: c.3592A>G on transcript NM_005245.4 (MANE Select); coding-DNA position 3592, A replaced by G.
Protein change: p.Thr1198Ala; replaces threonine 1198 with alanine.
Molecular consequence: missense variant.
Genome position (GRCh38, 1-based): chr4:186,639,772, T>C on the plus strand (A>G on the coding strand, the complement: FAT1 is on the minus strand). VCF-style: chr4-186639772-T-C. GRCh37 (hg19) VCF-style: chr4-187560926-T-C.
Other names: short protein forms T1198A.
Identifiers: ClinVar variation 3709842 (VCV003709842.2).

ClinVar aggregate classification (germline): Uncertain significance (1 of 4 stars; one submission).

gnomAD v4.1: 61 of 1,612,698 alleles (0.0038%); highest among the groups gnomAD compares: Middle Eastern, 0.049%; no homozygotes.

Submission:

Labcorp Genetics (formerly Invitae), Labcorp
Classification: Uncertain significance. Last evaluated: 2025-12-29. Review status: criteria provided, single submitter. Criteria: Invitae Variant Classification Sherloc (09022015). Collection method: clinical testing. Allele origin: germline.
Comment: This sequence change replaces threonine, which is neutral and polar, with alanine, which is neutral and non-polar, at codon 1198 of the FAT1 protein (p.Thr1198Ala). This variant is present in population databases (rs374385969, gnomAD 0.006%). This variant has not been reported in the literature in individuals affected with FAT1-related conditions. ClinVar contains an entry for this variant (Variation ID: 3709842). Invitae Evidence Modeling of protein sequence and biophysical properties (such as structural, functional, and spatial information, amino acid conservation, physicochemical variation, residue mobility, and thermodynamic stability) indicates that this missense variant is not expected to disrupt FAT1 protein function with a negative predictive value of 80%. In summary, the available evidence is currently insufficient to determine the role of this variant in disease. Therefore, it has been classified as a Variant of Uncertain Significance.